The following is an entry in ClinVar:

NM_001042413.2(GLIS3):c.2746_2755delinsC (p.Val916_Cys919delinsArg)

Gene: GLIS3 (GLIS family zinc finger 3; minus strand). Cytogenetic location: 9p24.2.
Variant type: Indel.
Coding change: c.2746_2755delinsC on transcript NM_001042413.2 (MANE Select); coding-DNA positions 2746 to 2755, GTGGACCGCT replaced by C.
Protein change: p.Val916_Cys919delinsArg.
Molecular consequence: inframe indel.
Genome position (GRCh38, 1-based): chr9:3,828,310-3,828,319, AGCGGTCCAC replaced by G on the plus strand (GTGGACCGCT replaced by C on the coding strand, the reverse complement: GLIS3 is on the minus strand). VCF-style: chr9-3828310-AGCGGTCCAC-G. GRCh37 (hg19) VCF-style: chr9-3828310-AGCGGTCCAC-G.
Other names: c.2281_2290delinsC, p.Val761_Cys764delinsArg (NM_152629.4).
Identifiers: ClinVar variation 2505757 (VCV002505757.2), dbSNP rs2537067526, ClinGen allele CA2580616148.

ClinVar aggregate classification (germline): Uncertain significance. Review status: criteria provided, multiple submitters, no conflicts (2 of 4 stars). 2 submissions from 2 submitters: Uncertain significance (2). Last evaluated 2024-01-04.

Conditions:
Neonatal diabetes mellitus with congenital hypothyroidism. Also called: NDH SYNDROME. Identifiers: Orphanet 79118, MedGen C1857775, MONDO:0012436, OMIM 610199.

Submissions (2):

Fulgent Genetics
Classification: Uncertain significance for Neonatal diabetes mellitus with congenital hypothyroidism. Last evaluated: 2024-01-04. Review status: criteria provided, single submitter. Criteria: ACMG Guidelines, 2015. Collection method: clinical testing. Allele origin: germline.

GeneDx
Classification: Uncertain significance. Last evaluated: 2022-12-13. Review status: criteria provided, single submitter. Criteria: GeneDx Variant Classification Process June 2021. Collection method: clinical testing. Allele origin: germline. Affected: yes.
Comment: In-frame deletion of 4 amino acids and insertion of 1 amino acid in a non-repeat region; Not observed at significant frequency in large population cohorts (gnomAD); Has not been previously published as pathogenic or benign to our knowledge